The following is an entry in ClinVar:

NM_002519.3(NPAT):c.1066C>G (p.Pro356Ala)

Gene: NPAT (nuclear protein, coactivator of histone transcription; minus strand). Cytogenetic location: 11q22.3.
Variant type: single nucleotide variant.
Coding change: c.1066C>G on transcript NM_002519.3 (MANE Select); coding-DNA position 1066, C replaced by G.
Protein change: p.Pro356Ala; replaces proline 356 with alanine.
Molecular consequence: missense variant.
Genome position (GRCh38, 1-based): chr11:108,176,312, G>C on the plus strand (C>G on the coding strand, the complement: NPAT is on the minus strand). VCF-style: chr11-108176312-G-C. GRCh37 (hg19) VCF-style: chr11-108047039-G-C.
Other names: c.1066C>G, p.Pro356Ala (NM_001321307.1); short protein forms P356A.
Identifiers: ClinVar variation 1781862 (VCV001781862.2), dbSNP rs2078005467, ClinGen allele CA382516873.
Genomic context (GRCh38, chr11:108,176,312, plus strand): 5'-CTTCTGTTTCAAAAGAACCTTTAACTGCTAGATTAGTTTCATCTGCTAAGACTATACTGG[G>C]ATTGGATTCCATAGGTTGACTGGAAATACTTTGTGATATATTTTTATTATTCTTTGTTTT-3'
Protein context (NP_002510.2, residues 346-366): SISSQPMESN[Pro356Ala]SIVLADETNL

ClinVar aggregate classification (germline): Uncertain significance (1 of 4 stars; one submission).

gnomAD v4.1: 3 of 1,573,276 alleles (0.00019%); highest among the groups gnomAD compares: Non-Finnish European, 0.00026%; no homozygotes.

Submission:

Ambry Genetics
Classification: Uncertain significance. Last evaluated: 2022-07-13. Review status: criteria provided, single submitter. Criteria: Ambry Variant Classification Scheme 2023. Collection method: clinical testing. Allele origin: germline.
Comment: The p.P356A variant (also known as c.1066C>G), located in coding exon 12 of the NPAT gene, results from a C to G substitution at nucleotide position 1066. The proline at codon 356 is replaced by alanine, an amino acid with highly similar properties. This amino acid position is conserved. In addition, this alteration is predicted to be tolerated by in silico analysis. Since supporting evidence is limited at this time, the clinical significance of this alteration remains unclear.